The following is an entry in ClinVar:

ClinVar aggregate classification (germline): Uncertain significance (1 of 4 stars; one submission).

Submission:

Labcorp Genetics (formerly Invitae), Labcorp
Classification: Uncertain significance. Last evaluated: 2023-03-17. Review status: criteria provided, single submitter. Criteria: Invitae Variant Classification Sherloc (09022015). Collection method: clinical testing. Allele origin: germline.
Comment: In summary, the available evidence is currently insufficient to determine the role of this variant in disease. Therefore, it has been classified as a Variant of Uncertain Significance. Experimental studies and prediction algorithms are not available or were not evaluated, and the functional significance of this variant is currently unknown. This variant has not been reported in the literature in individuals affected with DDX3X-related conditions. This variant is not present in population databases (gnomAD no frequency). This sequence change replaces alanine, which is neutral and non-polar, with glutamic acid, which is acidic and polar, at codon 68 of the DDX3X protein (p.Ala68Glu).

NM_001356.5(DDX3X):c.203C>A (p.Ala68Glu)

Gene: DDX3X (DEAD-box helicase 3 X-linked; plus strand). Cytogenetic location: Xp11.4.
Variant type: single nucleotide variant.
Coding change: c.203C>A on transcript NM_001356.5 (MANE Select); coding-DNA position 203, C replaced by A.
Protein change: p.Ala68Glu; replaces alanine 68 with glutamic acid.
Molecular consequence: missense variant. On other transcripts: 5 prime UTR variant (1), non-coding transcript variant (1).
Genome position (GRCh38, 1-based): chrX:41,341,535, C>A. VCF-style: chrX-41341535-C-A. GRCh37 (hg19) VCF-style: chrX-41200788-C-A.
Other names: c.203C>A, p.Ala68Glu (NM_001193416.3); c.155C>A, p.Ala52Glu (NM_001193417.3); c.-356C>A (NM_001363819.1); short protein forms A68E, A52E.
Identifiers: ClinVar variation 2844745 (VCV002844745.3), dbSNP rs1250603833, ClinGen allele CA412764871.